The following is an entry in ClinVar:

NM_005219.5(DIAPH1):c.2821C>A (p.Leu941Ile)

Gene: DIAPH1 (diaphanous related formin 1; minus strand). Cytogenetic location: 5q31.3.
Variant type: single nucleotide variant.
Coding change: c.2821C>A on transcript NM_005219.5 (MANE Select); coding-DNA position 2821, C replaced by A.
Protein change: p.Leu941Ile; replaces leucine 941 with isoleucine.
Molecular consequence: missense variant.
Genome position (GRCh38, 1-based): chr5:141,528,899, G>T on the plus strand (C>A on the coding strand, the complement: DIAPH1 is on the minus strand). VCF-style: chr5-141528899-G-T. GRCh37 (hg19) VCF-style: chr5-140908466-G-T.
Other names: c.2794C>A, p.Leu932Ile (NM_001079812.3); c.2821C>A, p.Leu941Ile (NM_001314007.2); short protein forms L932I, L941I.
Identifiers: ClinVar variation 3759811 (VCV003759811.2).

ClinVar aggregate classification (germline): Uncertain significance (1 of 4 stars; one submission).

Conditions:
Autosomal dominant nonsyndromic hearing loss 1. Also called: KONIGSMARK SYNDROME; DEAFNESS, AUTOSOMAL DOMINANT 1, WITH OR WITHOUT THROMBOCYTOPENIA. Identifiers: Orphanet 90635, MedGen C1852282, MONDO:0007424, OMIM 124900.
Progressive microcephaly-seizures-cortical blindness-developmental delay syndrome. Also called: Seizures, cortical blindness, and microcephaly syndrome. Identifiers: Orphanet 477814, MedGen C5567650, MONDO:0014714, OMIM 616632.

gnomAD v4.1: 5 of 1,614,146 alleles (0.00031%); highest among the groups gnomAD compares: Admixed American, 0.0083%; no homozygotes.

Submission:

Labcorp Genetics (formerly Invitae), Labcorp
Classification: Uncertain significance for Progressive microcephaly-seizures-cortical blindness-developmental delay syndrome; Autosomal dominant nonsyndromic hearing loss 1. Last evaluated: 2024-11-18. Review status: criteria provided, single submitter. Criteria: Invitae Variant Classification Sherloc (09022015). Collection method: clinical testing. Allele origin: germline.
Comment: This sequence change replaces leucine, which is neutral and non-polar, with isoleucine, which is neutral and non-polar, at codon 941 of the DIAPH1 protein (p.Leu941Ile). This variant is present in population databases (no rsID available, gnomAD 0.01%). This variant has not been reported in the literature in individuals affected with DIAPH1-related conditions. An algorithm developed to predict the effect of missense changes on protein structure and function (PolyPhen-2) suggests that this variant is likely to be disruptive. In summary, the available evidence is currently insufficient to determine the role of this variant in disease. Therefore, it has been classified as a Variant of Uncertain Significance.